The following is an entry in ClinVar:

NC_000005.9:g.(?_70888733)_(70895607_?)del

Gene: MCCC2 (methylcrotonyl-CoA carboxylase subunit 2; plus strand). Cytogenetic location: 5q13.2.
Variant type: Deletion.
Identifiers: ClinVar variation 3246356 (VCV003246356.1).

ClinVar aggregate classification (germline): Pathogenic (1 of 4 stars; one submission).

Conditions:
3-methylcrotonyl-CoA carboxylase 2 deficiency. Also called: 3 alpha methylcrotonyl-CoA carboxylase 2 deficiency; 3 alpha methylcrotonylglycinuria 2; MCC 2 deficiency; Methylcrotonylglycinuria type 2; METHYLCROTONYLGLYCINURIA, TYPE II. Identifiers: Orphanet 6, MedGen C1859499, MONDO:0008862, OMIM 210210.

Submission:

Labcorp Genetics (formerly Invitae), Labcorp
Classification: Pathogenic for 3-methylcrotonyl-CoA carboxylase 2 deficiency. Last evaluated: 2023-04-13. Review status: criteria provided, single submitter. Criteria: Invitae Variant Classification Sherloc (09022015). Collection method: clinical testing. Allele origin: unknown.
Comment: For these reasons, this variant has been classified as Pathogenic. This variant has not been reported in the literature in individuals affected with MCCC2-related conditions. This variant is a gross deletion of the genomic region encompassing exon(s) 2-4 of the MCCC2 gene. This deletion is out-of-frame, and is expected to create a premature termination codon and result in an absent or disrupted protein product. Loss-of-function variants in MCCC2 are known to be pathogenic (PMID: 11181649, 22642865).

Literature cited by the submitters: PubMed 11181649; PubMed 22642865.